The following is an entry in ClinVar:

NM_000053.4(ATP7B):c.3350_3353del (p.Glu1117fs)

Gene: ATP7B (ATPase copper transporting beta; minus strand). Cytogenetic location: 13q14.3.
Variant type: Deletion.
Coding change: c.3350_3353del on transcript NM_000053.4 (MANE Select); coding-DNA positions 3350 to 3353, 4 bases deleted (AGCG; older notation c.3350_3353delAGCG).
Protein change: p.Glu1117fs; shifts the reading frame from glutamic acid 1117.
Molecular consequence: frameshift variant.
Genome position (GRCh38, 1-based): chr13:51,942,445-51,942,448, CGCT deleted on the plus strand (AGCG on the coding strand, the reverse complement: ATP7B is on the minus strand); deleting any 4 consecutive bases within chr13:51,942,445-51,942,449 gives the same sequence; the c. name uses the placement nearest the transcript's 3' end. VCF-style (leftmost placement, unchanged base first): chr13-51942444-GCGCT-G. GRCh37 (hg19) VCF-style: chr13-52516580-GCGCT-G.
Other names: c.2729_2732del, p.Glu910fs (NM_001005918.3); c.3017_3020del, p.Glu1006fs (NM_001243182.2); c.3116_3119del, p.Glu1039fs (NM_001330578.2); c.3098_3101del, p.Glu1033fs (NM_001330579.2); short protein forms E1006fs, E910fs, E1033fs, E1039fs, E1117fs.
Identifiers: ClinVar variation 556893 (VCV000556893.14), dbSNP rs1555285830, ClinGen allele CA658823702.
Genomic context (GRCh38, chr13:51,942,444, plus strand): 5'-ACCTTTTTCTGCGGGAAGGCTGCCAGCCTCATTCAGGTGACTGGCCGGTGCACTCAAAGG[GCGCT>G]CACTGTGGGCCAGGATGCCTTCCACGTTGCTGACTTTGCACCCAATTCCACAGCCTGGCA-3'

ClinVar aggregate classification (germline): Pathogenic. Review status: criteria provided, multiple submitters, no conflicts (2 of 4 stars). 5 submissions from 5 submitters: Pathogenic (4). 1 of the submissions does not count toward it. Last evaluated 2025-09-12.

Conditions:
Wilson disease (WND). Also called: Wilson's disease. Identifiers: Orphanet 905, MedGen C0019202, MONDO:0010200, OMIM 277900. Disease mechanism: loss of function.

Submissions (5):

Color Diagnostics, LLC DBA Color Health
Classification: Pathogenic for Wilson disease. Last evaluated: 2025-09-12. Review status: criteria provided, single submitter. Criteria: ACMG Guidelines, 2015. Collection method: clinical testing. Allele origin: germline.
Comment: This variant deletes 4 nucleotides in exon 15 of the ATP7B gene, creating a frameshift and premature translation stop signal. This variant is expected to result in an absent or non-functional protein product. This variant has been reported in individuals affected with Wilson disease with at least one individual confirmed to be compound heterozygous with another pathogenic variant in the same gene (PMID: 16283883, 34773664). This variant has not been identified in the general population by the Genome Aggregation Database (gnomAD). Loss of ATP7B function is a known mechanism of disease. Based on the available evidence, this variant is classified as Pathogenic.

All of Us Research Program, National Institutes of Health
Classification: Pathogenic for Wilson disease. Last evaluated: 2024-09-27. Review status: criteria provided, single submitter. Criteria: ACMG Guidelines, 2015. Collection method: clinical testing. Allele origin: germline. Inheritance: Autosomal recessive inheritance. Observed: 3 variant alleles, 3 heterozygotes.
Comment: This variant deletes 4 nucleotides in exon 15 of the ATP7B gene, creating a frameshift and premature translation stop signal. This variant is expected to result in an absent or non-functional protein product. This variant has been reported in individuals affected with Wilson disease with at least one individual confirmed to be compound heterozygous with another pathogenic variant in the same gene (PMID: 16283883, 34773664). This variant has not been identified in the general population by the Genome Aggregation Database (gnomAD). Loss of ATP7B function is a known mechanism of disease. Based on the available evidence, this variant is classified as Pathogenic.

This study involves interpretation of variants in research participants for the purpose of population health screening. Participant phenotype was not available at the time of variant classification. Additional details can be found in publication PMID: 35346344, PMCID: PMC8962531

Labcorp Genetics (formerly Invitae), Labcorp
Classification: Pathogenic for Wilson disease. Last evaluated: 2023-07-17. Review status: criteria provided, single submitter. Criteria: Invitae Variant Classification Sherloc (09022015). Collection method: clinical testing. Allele origin: germline.
Comment: ClinVar contains an entry for this variant (Variation ID: 556893). For these reasons, this variant has been classified as Pathogenic. This premature translational stop signal has been observed in individual(s) with Wilson disease (PMID: 16283883). This variant is not present in population databases (gnomAD no frequency). This sequence change creates a premature translational stop signal (p.Glu1117Alafs*3) in the ATP7B gene. It is expected to result in an absent or disrupted protein product. Loss-of-function variants in ATP7B are known to be pathogenic (PMID: 10441329, 16283883).

Genome-Nilou Lab
Classification: Pathogenic for Wilson disease. Last evaluated: 2021-08-10. Review status: criteria provided, single submitter. Criteria: ACMG Guidelines, 2015. Collection method: clinical testing. Allele origin: germline. Affected: no.

Counsyl
Classification: Likely pathogenic for Wilson disease. Last evaluated: 2018-02-26. Review status: no assertion criteria provided. Collection method: clinical testing. Allele origin: unknown. Not counted in ClinVar's aggregate classification.

Literature cited by the submitters: PubMed 16283883 (cited by 4 submitters); PubMed 34773664 (cited by Color Diagnostics, LLC DBA Color Health and All of Us Research Program, National Institutes of Health); PubMed 10441329 (cited by Labcorp Genetics (formerly Invitae), Labcorp).